The following is an entry in ClinVar:

ClinVar aggregate classification (germline): Uncertain significance (1 of 4 stars; one submission).

gnomAD v4.1: 1 of 1,614,228 alleles (0.000062%); highest among the groups gnomAD compares: African/African-American, 0.0013%; no homozygotes.

Submission:

Dasa
Classification: Uncertain significance. Last evaluated: 2025-08-28. Review status: criteria provided, single submitter. Criteria: DASA Assertion Criteria. Collection method: clinical testing. Allele origin: germline.
Comment: NM_005909.5(MAP1B):c.6655A>G (p.Met2219Val) is a missense variant that results in the substitution of methionine with valine. This variant is rare in population databases. The currently available literature and clinical evidence are not sufficient to establish a definitive association between this variant and the reported condition. Therefore, this variant is classified as a variant of uncertain significance.

NM_005909.5(MAP1B):c.6655A>G (p.Met2219Val)

Gene: MAP1B (microtubule associated protein 1B; plus strand). Cytogenetic location: 5q13.2.
Variant type: single nucleotide variant.
Coding change: c.6655A>G on transcript NM_005909.5 (MANE Select); coding-DNA position 6655, A replaced by G.
Protein change: p.Met2219Val; replaces methionine 2219 with valine.
Molecular consequence: missense variant.
Genome position (GRCh38, 1-based): chr5:72,200,010, A>G. VCF-style: chr5-72200010-A-G. GRCh37 (hg19) VCF-style: chr5-71495837-A-G.
Other names: c.6277A>G, p.Met2093Val (NM_001324255.2); short protein forms M2093V, M2219V.
Identifiers: ClinVar variation 5020873 (VCV005020873.1).
Genomic context (GRCh38, chr5:72,200,010, plus strand): 5'-GACCCACCTCCAGCTCCCGTGCAAGACCGCAGCCCTTCGCCACGCCACCCTGATGTGTCC[A>G]TGGTGGACCCAGAGGCCTTGGCCATTGAGCAGAACCTGGGCAAAGCTCTAAAGAAAGATC-3'
Protein context (NP_005900.2, residues 2209-2229): SPSPRHPDVS[Met2219Val]VDPEALAIEQ